The following is an entry in ClinVar:

ClinVar aggregate classification (germline): Likely pathogenic (1 of 4 stars; one submission).

Submission:

Dasa
Classification: Likely pathogenic. Last evaluated: 2025-02-28. Review status: criteria provided, single submitter. Criteria: DASA Assertion Criteria. Collection method: clinical testing. Allele origin: germline.
Comment: NM_000374.5(UROD):c.11dup (p.Asn4Lysfs*14) is a frameshift variant in UROD predicted to alter the reading frame and introduce a premature termination codon and is predicted to result in an absent or altered protein product. Loss of function is an established disease mechanism for UROD-associated disorders. Also, this variant is rare in population databases. Based on the currently available evidence, this variant is classified as likely pathogenic.

NM_000374.5(UROD):c.11dup (p.Asn4fs)

Genes: UROD (uroporphyrinogen decarboxylase; plus strand), LOC129930433 (ATAC-STARR-seq lymphoblastoid active region 959; plus strand). Cytogenetic location: 1p34.1.
Variant type: Duplication.
Coding change: c.11dup on transcript NM_000374.5 (MANE Select); coding-DNA position 11, one base duplicated (A; older notation c.11dupA).
Protein change: p.Asn4fs; shifts the reading frame from asparagine 4.
Molecular consequence: frameshift variant. On other transcripts: non-coding transcript variant (3).
Genome position (GRCh38, 1-based): chr1:45,012,276, A duplicated; the last of 2 consecutive A bases (chr1:45,012,275-45,012,276); duplicating either gives the same sequence. VCF-style (leftmost placement, unchanged base first): chr1-45012274-G-GA. GRCh37 (hg19) VCF-style: chr1-45477946-G-GA.
Other names: short protein forms N4fs.
Identifiers: ClinVar variation 4852637 (VCV004852637.2).
Genomic context (GRCh38, chr1:45,012,274, plus strand): 5'-CTCAGATTCAGGTTAAATTGTGGATTGAGCTCGCAGTTACAGACAGCTGACCATGGAAGC[G>GA]AATGGGTTGGGGTGAGTTCTCCAGAGCACGCGGTGTGGCTAGCCGGGCTTCTAATTTGAG-3'